The following is an entry in ClinVar:

NM_001378615.1(CC2D2A):c.3352G>A (p.Glu1118Lys)

Genes: CC2D2A (coiled-coil and C2 domain containing 2A; plus strand), FBXL5 (F-box and leucine rich repeat protein 5; minus strand). Cytogenetic location: 4p15.32.
Variant type: single nucleotide variant.
Coding change: c.3352G>A on transcript NM_001378615.1 (MANE Select); coding-DNA position 3352, G replaced by A.
Protein change: p.Glu1118Lys; replaces glutamic acid 1118 with lysine.
Molecular consequence: missense variant.
Genome position (GRCh38, 1-based): chr4:15,567,740, G>A. VCF-style: chr4-15567740-G-A. GRCh37 (hg19) VCF-style: chr4-15569363-G-A.
Other names: c.3352G>A, p.Glu1118Lys (NM_001080522.2); c.3205G>A, p.Glu1069Lys (NM_001378617.1); short protein forms E1069K, E1118K.
Identifiers: ClinVar variation 4292646 (VCV004292646.4).
Genomic context (GRCh38, chr4:15,567,740, plus strand): 5'-TTAGTACGTCCCTTTGTAGAAGTCTCTTTTCAACGAACAGTTTGCCATACGACTACGGCT[G>A]AAGGACCAAACCCTAGCTGGAATGAAGAACTAGAACTTCCATTTAGGTAAGCATATTTTC-3'
Protein context (NP_001365544.1, residues 1108-1128): QRTVCHTTTA[Glu1118Lys]GPNPSWNEEL

ClinVar aggregate classification (germline): Uncertain significance. Review status: criteria provided, multiple submitters, no conflicts (2 of 4 stars). 2 submissions from 2 submitters: Uncertain significance (2). Last evaluated 2025-08-18.

Conditions:
Joubert syndrome and related disorders. Identifiers: Orphanet 140874, MedGen C5679612, MONDO:0015369.
CC2D2A-related disorder. Also called: CC2D2A-related condition; CC2D2A-related disorders. Identifiers: MedGen CN239313.

gnomAD v4.1: 12 of 1,605,200 alleles (0.00075%); highest among the groups gnomAD compares: East Asian, 0.018%; no homozygotes.

Submissions (2):

Myriad Genetics, Inc.
Classification: Uncertain significance for Joubert syndrome and related disorders. Last evaluated: 2025-08-18. Review status: criteria provided, single submitter. Criteria: Myriad Autosomal Dominant, Autosomal Recessive and X-Linked Classification Criteria (2023). Collection method: clinical testing. Allele origin: unknown.
Comment: NM_001080522.2(CC2D2A):c.3352G>A(E1118K) is a missense variant classified as a variant of uncertain significance in the context of CC2D2A-related disorders. E1118K has been observed in a case with relevant disease (PMID: 35140360). Relevant functional assessments of this variant are not available in the literature. E1118K has been observed in referenced population frequency databases. In summary, there is insufficient evidence to classify NM_001080522.2(CC2D2A):c.3352G>A(E1118K) as pathogenic or benign. Please note: this variant was assessed in the context of healthy population screening.

3billion
Classification: Uncertain significance for CC2D2A-related disorder. Last evaluated: 2025-05-07. Review status: criteria provided, single submitter. Criteria: ACMG Guidelines, 2015. Collection method: clinical testing. Allele origin: germline. Affected: yes.
Comment: The variant is observed at an extremely low frequency in the gnomAD v4.1.0 dataset (total allele frequency: <0.001%). Predicted Consequence/Location: Missense variant. The majority of the known disease-causing variants of this gene are variants expected to result in premature termination of the protein. In silico tool predictions suggest damaging effect of the variant on gene or gene product [3Cnet: 0.92 (> 0.75, sensitivity 0.96 and precision 0.92)]. The same nucleotide change resulting in the same amino acid change has been previously reported to be associated with CC2D2A-related disorder (PMID: 35140360). However, the evidence of pathogenicity is insufficient at this time. Therefore, this variant is classified as VUS according to the recommendation of ACMG/AMP guideline.

Literature cited by the submitters: PubMed 35140360 (cited by Myriad Genetics, Inc. and 3billion).